The following is an entry in ClinVar:

ClinVar aggregate classification (germline): Uncertain significance (1 of 4 stars; one submission).

Conditions:
Tuberous sclerosis 1 (TSC1). Identifiers: Orphanet 805, MedGen C1854465, MONDO:0008612, OMIM 191100.

Submission:

Labcorp Genetics (formerly Invitae), Labcorp
Classification: Uncertain significance for Tuberous sclerosis 1. Last evaluated: 2023-10-27. Review status: criteria provided, single submitter. Criteria: Invitae Variant Classification Sherloc (09022015). Collection method: clinical testing. Allele origin: germline.
Comment: This sequence change replaces tyrosine, which is neutral and polar, with cysteine, which is neutral and slightly polar, at codon 49 of the TSC1 protein (p.Tyr49Cys). This variant is not present in population databases (gnomAD no frequency). This variant has not been reported in the literature in individuals affected with TSC1-related conditions. Advanced modeling of protein sequence and biophysical properties (such as structural, functional, and spatial information, amino acid conservation, physicochemical variation, residue mobility, and thermodynamic stability) performed at Invitae indicates that this missense variant is not expected to disrupt TSC1 protein function with a negative predictive value of 80%. In summary, the available evidence is currently insufficient to determine the role of this variant in disease. Therefore, it has been classified as a Variant of Uncertain Significance.

NM_000368.5(TSC1):c.146A>G (p.Tyr49Cys)

Gene: TSC1 (TSC complex subunit 1; minus strand). Cytogenetic location: 9q34.13.
Variant type: single nucleotide variant.
Coding change: c.146A>G on transcript NM_000368.5 (MANE Select); coding-DNA position 146, A replaced by G.
Protein change: p.Tyr49Cys; replaces tyrosine 49 with cysteine.
Molecular consequence: missense variant. On other transcripts: 5 prime UTR variant (9), non-coding transcript variant (4), intron variant (9).
Genome position (GRCh38, 1-based): chr9:132,927,265, T>C on the plus strand (A>G on the coding strand, the complement: TSC1 is on the minus strand). VCF-style: chr9-132927265-T-C. GRCh37 (hg19) VCF-style: chr9-135802652-T-C.
Other names: c.146A>G, p.Tyr49Cys (NM_001406594.1, NM_001162426.2, NM_001162427.2 and 21 more transcripts); c.-343A>G (NM_001406615.1, NM_001406623.1); c.-310A>G (NM_001406616.1, NM_001406624.1); c.-732A>G (NM_001406626.1, NM_001406627.1, NM_001406628.1); c.-874A>G (NM_001406629.1); c.-948A>G (NM_001406630.1); c.-153-1526A>G (NM_001406620.1, NM_001406618.1); c.-154+1502A>G (NM_001406625.1, NM_001406621.1, NM_001406617.1 and 3 more transcripts); and 1 more; short protein forms Y49C.
Identifiers: ClinVar variation 2771979 (VCV002771979.3), dbSNP rs2539113066, ClinGen allele CA375375156.